The following is an entry in ClinVar:

NM_001286577.2(C2CD3):c.5524C>T (p.Arg1842Cys)

Gene: C2CD3 (C2 domain containing 3 centriole elongation regulator; minus strand). Cytogenetic location: 11q13.4.
Variant type: single nucleotide variant.
Coding change: c.5524C>T on transcript NM_001286577.2 (MANE Select); coding-DNA position 5524, C replaced by T.
Protein change: p.Arg1842Cys; replaces arginine 1842 with cysteine.
Molecular consequence: missense variant.
Genome position (GRCh38, 1-based): chr11:74,042,190, G>A on the plus strand (C>T on the coding strand, the complement: C2CD3 is on the minus strand). VCF-style: chr11-74042190-G-A. GRCh37 (hg19) VCF-style: chr11-73753235-G-A.
Other names: c.5524C>T (NM_015531.4); c.5524C>T, p.Arg1842Cys (NM_015531.6); short protein forms R1842C.
Identifiers: ClinVar variation 3771292 (VCV003771292.14).
Genomic context (GRCh38, chr11:74,042,190, plus strand): 5'-CTCCCTGAAGATGCAGGGATTCATGAAACCGGCGAATGTTCTGCACATGCTCTTCATGGC[G>A]TGATGCTTGGCTTCTTGTGGTATCACTTCTGTCAAAAAAAAAAAAAAAAAAAGTAGGAGC-3'
Protein context (NP_001273506.1, residues 1832-1852): RSDTTRSQAS[Arg1842Cys]HEEHVQNIRR

ClinVar aggregate classification (germline): Uncertain significance. Review status: criteria provided, multiple submitters, no conflicts (2 of 4 stars). 2 submissions from 2 submitters: Uncertain significance (2). Last evaluated 2025-08-27.

Conditions:
Inborn genetic diseases. Identifiers: MedGen C0950123, MeSH D030342.

gnomAD v4.1: 19 of 1,610,554 alleles (0.0012%); highest among the groups gnomAD compares: Middle Eastern, 0.016%; no homozygotes.

Submissions (2):

Ambry Genetics
Classification: Uncertain significance for Inborn genetic diseases. Last evaluated: 2025-08-27. Review status: criteria provided, single submitter. Criteria: Ambry Variant Classification Scheme 2023. Collection method: clinical testing. Allele origin: germline.

CeGaT Center for Human Genetics Tuebingen
Classification: Uncertain significance. Last evaluated: 2025-01-01. Review status: criteria provided, single submitter. Criteria: CeGaT Center For Human Genetics Tuebingen Variant Classification Criteria Version 2. Collection method: clinical testing. Allele origin: germline. Affected: yes. Observed: 1 variant allele.
Comment: C2CD3: PM2